The following is an entry in ClinVar:

NM_001006658.3(CR2):c.2759A>C (p.Asn920Thr)

Gene: CR2 (complement C3d receptor 2; plus strand). Cytogenetic location: 1q32.2.
Variant type: single nucleotide variant.
Coding change: c.2759A>C on transcript NM_001006658.3 (MANE Select); coding-DNA position 2759, A replaced by C.
Protein change: p.Asn920Thr; replaces asparagine 920 with threonine.
Molecular consequence: missense variant.
Genome position (GRCh38, 1-based): chr1:207,476,276, A>C. VCF-style: chr1-207476276-A-C. GRCh37 (hg19) VCF-style: chr1-207649621-A-C.
Other names: c.2582A>C, p.Asn861Thr (NM_001877.5); short protein forms N861T, N920T.
Identifiers: ClinVar variation 2116003 (VCV002116003.4), dbSNP rs752201209, ClinGen allele CA344539863.

ClinVar aggregate classification (germline): Uncertain significance (1 of 4 stars; one submission).

Conditions:
Immunodeficiency, common variable, 7. Identifiers: Orphanet 1572, Orphanet 696894, MedGen C3542922, MONDO:0013862, OMIM 614699.

gnomAD v4.1: 1 of 1,613,932 alleles (0.000062%); highest among the groups gnomAD compares: Non-Finnish European, 0.000085%; no homozygotes.

Submission:

Labcorp Genetics (formerly Invitae), Labcorp
Classification: Uncertain significance for Immunodeficiency, common variable, 7. Last evaluated: 2022-03-23. Review status: criteria provided, single submitter. Criteria: Invitae Variant Classification Sherloc (09022015). Collection method: clinical testing. Allele origin: germline.
Comment: This sequence change replaces asparagine, which is neutral and polar, with threonine, which is neutral and polar, at codon 920 of the CR2 protein (p.Asn920Thr). This variant is not present in population databases (gnomAD no frequency). This variant has not been reported in the literature in individuals affected with CR2-related conditions. Algorithms developed to predict the effect of missense changes on protein structure and function (SIFT, PolyPhen-2, Align-GVGD) all suggest that this variant is likely to be tolerated. In summary, the available evidence is currently insufficient to determine the role of this variant in disease. Therefore, it has been classified as a Variant of Uncertain Significance.